The following is an entry in ClinVar:

ClinVar aggregate classification (germline): Pathogenic (1 of 4 stars; one submission).

Conditions:
Cystic fibrosis (CF). Also called: MUCOVISCIDOSIS. Identifiers: Orphanet 586, MedGen C0010674, MONDO:0009061, OMIM 219700. Disease mechanism: loss of function.

Submission:

Labcorp Genetics (formerly Invitae), Labcorp
Classification: Pathogenic for Cystic fibrosis. Last evaluated: 2021-04-23. Review status: criteria provided, single submitter. Criteria: Invitae Variant Classification Sherloc (09022015). Collection method: clinical testing. Allele origin: germline.
Comment: This variant has not been reported in the literature in individuals with CFTR-related conditions. This variant is not present in population databases (ExAC no frequency). This sequence change creates a premature translational stop signal (p.Leu1242Profs*17) in the CFTR gene. It is expected to result in an absent or disrupted protein product. Loss-of-function variants in CFTR are known to be pathogenic (PMID: 1695717, 7691345, 9725922). For these reasons, this variant has been classified as Pathogenic.

Literature cited by the submitters: PubMed 1695717; PubMed 7691345; PubMed 9725922.

NM_000492.4(CFTR):c.3725del (p.Leu1242fs)

Genes: CFTR (CF transmembrane conductance regulator; plus strand), CFTR-AS2 (CFTR antisense RNA 2; minus strand). Cytogenetic location: 7q31.2.
Variant type: Deletion.
Coding change: c.3725del on transcript NM_000492.4 (MANE Select); coding-DNA position 3725, one base deleted (T; older notation c.3725delT).
Protein change: p.Leu1242fs; shifts the reading frame from leucine 1242.
Molecular consequence: frameshift variant.
Genome position (GRCh38, 1-based): chr7:117,642,445, T deleted. VCF-style (leftmost placement, unchanged base first): chr7-117642444-CT-C. GRCh37 (hg19) VCF-style: chr7-117282498-CT-C.
Other names: short protein forms L1242fs.
Identifiers: ClinVar variation 1374672 (VCV001374672.6), dbSNP rs2116166673, ClinGen allele CA2573141565.